The following is an entry in ClinVar:

NM_005609.4(PYGM):c.2038A>G (p.Met680Val)

Gene: PYGM (glycogen phosphorylase, muscle associated; minus strand). Cytogenetic location: 11q13.1.
Variant type: single nucleotide variant.
Coding change: c.2038A>G on transcript NM_005609.4 (MANE Select); coding-DNA position 2038, A replaced by G.
Protein change: p.Met680Val; replaces methionine 680 with valine.
Molecular consequence: missense variant.
Genome position (GRCh38, 1-based): chr11:64,750,515, T>C on the plus strand (A>G on the coding strand, the complement: PYGM is on the minus strand). VCF-style: chr11-64750515-T-C. GRCh37 (hg19) VCF-style: chr11-64517987-T-C.
Other names: c.1774A>G, p.Met592Val (NM_001164716.1); c.2038A>G (NM_005609.3); short protein forms M592V, M680V.
Identifiers: ClinVar variation 2504020 (VCV002504020.1), dbSNP rs1176352993, ClinGen allele CA381168016.

ClinVar aggregate classification (germline): Uncertain significance (1 of 4 stars; one submission).

Allele frequency attached by ClinVar (database versions not stated): TOPMed below 0.00001.
gnomAD v4.1: 2 of 1,614,102 alleles (0.00012%); highest among the groups gnomAD compares: Non-Finnish European, 0.00017%; no homozygotes.

Submission:

Women's Health and Genetics/Laboratory Corporation of America, LabCorp
Classification: Uncertain significance. Last evaluated: 2023-04-27. Review status: criteria provided, single submitter. Criteria: LabCorp Variant Classification Summary - May 2015. Collection method: clinical testing. Allele origin: germline.
Comment: Variant summary: PYGM c.2038A>G (p.Met680Val) results in a conservative amino acid change in the encoded protein sequence. Four of five in-silico tools predict a damaging effect of the variant on protein function. The variant was absent in 251472 control chromosomes. The available data on variant occurrences in the general population are insufficient to allow any conclusion about variant significance. c.2038A>G has been reported in the literature in individuals affected with McArdle disease (Joshi_2020). These data do not allow any conclusion about variant significance. To our knowledge, no experimental evidence demonstrating an impact on protein function has been reported. The following publications have been ascertained in the context of this evaluation (PMID: 32075227). No clinical diagnostic laboratories have submitted clinical-significance assessments for this variant to ClinVar after 2014. Based on the evidence outlined above, the variant was classified as uncertain significance.

Literature cited by the submitters: PubMed 32075227.